The following is an entry in ClinVar:

ClinVar aggregate classification (germline): Uncertain significance (1 of 4 stars; one submission).

Allele frequency attached by ClinVar (database versions not stated): gnomAD exomes below 0.00001; gnomAD 0.00001; TOPMed 0.00001.
gnomAD v4.1: 6 of 1,613,506 alleles (0.00037%); highest among the groups gnomAD compares: East Asian, 0.0045%; no homozygotes.

Submission:

Labcorp Genetics (formerly Invitae), Labcorp
Classification: Uncertain significance. Last evaluated: 2022-03-23. Review status: criteria provided, single submitter. Criteria: Invitae Variant Classification Sherloc (09022015). Collection method: clinical testing. Allele origin: germline.
Comment: Algorithms developed to predict the effect of missense changes on protein structure and function are either unavailable or do not agree on the potential impact of this missense change (SIFT: "Deleterious"; PolyPhen-2: "Possibly Damaging"; Align-GVGD: "Class C0"). In summary, the available evidence is currently insufficient to determine the role of this variant in disease. Therefore, it has been classified as a Variant of Uncertain Significance. This variant has not been reported in the literature in individuals affected with CIT-related conditions. This variant is present in population databases (no rsID available, gnomAD 0.006%). This sequence change replaces proline, which is neutral and non-polar, with leucine, which is neutral and non-polar, at codon 1573 of the CIT protein (p.Pro1573Leu).

NM_001206999.2(CIT):c.4718C>T (p.Pro1573Leu)

Gene: CIT (citron rho-interacting serine/threonine kinase; minus strand). Cytogenetic location: 12q24.23.
Variant type: single nucleotide variant.
Coding change: c.4718C>T on transcript NM_001206999.2 (MANE Select); coding-DNA position 4718, C replaced by T.
Protein change: p.Pro1573Leu; replaces proline 1573 with leucine.
Molecular consequence: missense variant.
Genome position (GRCh38, 1-based): chr12:119,712,314, G>A on the plus strand (C>T on the coding strand, the complement: CIT is on the minus strand). VCF-style: chr12-119712314-G-A. GRCh37 (hg19) VCF-style: chr12-120150119-G-A.
Other names: c.4592C>T, p.Pro1531Leu (NM_007174.3); short protein forms P1531L, P1573L.
Identifiers: ClinVar variation 2082586 (VCV002082586.4), dbSNP rs1472431033, ClinGen allele CA386539003.
Genomic context (GRCh38, chr12:119,712,314, plus strand): 5'-TTGTCAGGGAAGCTGGGAGCTAGCAAGTAGAGGGTTCTCCCGGGCCAGCAGGTGGTGTGC[G>A]GGTGAGATTCCATCTTCAGTATGTATGGGACATCTAGGAGATTTCAGAGAGCACAGGATT-3'
Protein context (NP_001193928.1, residues 1563-1583): VPYILKMESH[Pro1573Leu]HTTCWPGRTL